The following is an entry in ClinVar:

NM_000492.4(CFTR):c.1983C>G (p.Ile661Met)

Gene: CFTR (CF transmembrane conductance regulator; plus strand). Cytogenetic location: 7q31.2.
Variant type: single nucleotide variant.
Coding change: c.1983C>G on transcript NM_000492.4 (MANE Select); coding-DNA position 1983, C replaced by G.
Protein change: p.Ile661Met; replaces isoleucine 661 with methionine.
Molecular consequence: missense variant.
Genome position (GRCh38, 1-based): chr7:117,592,150, C>G. VCF-style: chr7-117592150-C-G. GRCh37 (hg19) VCF-style: chr7-117232204-C-G.
Other names: p.Ile661Met; c.1983C>G (NM_000492.3); short protein forms I661M.
Identifiers: ClinVar variation 993945 (VCV000993945.54), dbSNP rs1485998437, ClinGen allele CA368979135.
Genomic context (GRCh38, chr7:117,592,150, plus strand): 5'-CTCAAAACTCATGGGATGTGATTCTTTCGACCAATTTAGTGCAGAAAGAAGAAATTCAAT[C>G]CTAACTGAGACCTTACACCGTTTCTCATTAGAAGGAGATGCTCCTGTCTCCTGGACAGAA-3'
Protein context (NP_000483.3, residues 651-671): DQFSAERRNS[Ile661Met]LTETLHRFSL

ClinVar aggregate classification (germline): Uncertain significance. Review status: criteria provided, multiple submitters, no conflicts (2 of 4 stars). 5 submissions from 5 submitters: Uncertain significance (4). 1 of the submissions does not count toward it. Last evaluated 2024-04-29.

Conditions:
CFTR-related disorder (CFTR-RD). Also called: CFTR-related disorders; CFTR-related condition. Identifiers: MedGen C5924204, MONDO:7770004.
Cystic fibrosis (CF). Also called: MUCOVISCIDOSIS. Identifiers: Orphanet 586, MedGen C0010674, MONDO:0009061, OMIM 219700. Disease mechanism: loss of function.

Allele frequency attached by ClinVar (database versions not stated): TOPMed below 0.00001; gnomAD 0.00001; gnomAD exomes 0.00001.
gnomAD v4.1: 24 of 1,613,838 alleles (0.0015%); highest among the groups gnomAD compares: African/African-American, 0.0027%; no homozygotes.

Submissions (5):

Labcorp Genetics (formerly Invitae), Labcorp
Classification: Uncertain significance for Cystic fibrosis. Last evaluated: 2024-04-29. Review status: criteria provided, single submitter. Criteria: Invitae Variant Classification Sherloc (09022015). Collection method: clinical testing. Allele origin: germline.
Comment: This sequence change replaces isoleucine, which is neutral and non-polar, with methionine, which is neutral and non-polar, at codon 661 of the CFTR protein (p.Ile661Met). This variant is present in population databases (no rsID available, gnomAD 0.01%). This variant has not been reported in the literature in individuals affected with CFTR-related conditions. ClinVar contains an entry for this variant (Variation ID: 993945). Advanced modeling of protein sequence and biophysical properties (such as structural, functional, and spatial information, amino acid conservation, physicochemical variation, residue mobility, and thermodynamic stability) performed at Invitae indicates that this missense variant is not expected to disrupt CFTR protein function with a negative predictive value of 80%. In summary, the available evidence is currently insufficient to determine the role of this variant in disease. Therefore, it has been classified as a Variant of Uncertain Significance.

Mayo Clinic Laboratories, Mayo Clinic
Classification: Uncertain significance. Last evaluated: 2024-01-29. Review status: criteria provided, single submitter. Criteria: ACMG Guidelines, 2015. Collection method: clinical testing. Allele origin: germline. Observed: 1 variant allele.

Ambry Genetics
Classification: Uncertain significance for Cystic fibrosis. Last evaluated: 2022-10-31. Review status: criteria provided, single submitter. Criteria: Ambry Variant Classification Scheme 2023. Collection method: clinical testing. Allele origin: germline.
Comment: The p.I661M variant (also known as c.1983C>G), located in coding exon 14 of the CFTR gene, results from a C to G substitution at nucleotide position 1983. The isoleucine at codon 661 is replaced by methionine, an amino acid with highly similar properties. This amino acid position is conserved. In addition, this alteration is predicted to be deleterious by in silico analysis. Since supporting evidence is limited at this time, the clinical significance of this alteration remains unclear.

ARUP Laboratories, Molecular Genetics and Genomics, ARUP Laboratories
Classification: Uncertain significance. Last evaluated: 2019-12-10. Review status: criteria provided, single submitter. Criteria: ARUP Molecular Germline Variant Investigation Process. Collection method: clinical testing. Allele origin: germline.
Comment: The CFTR c.1983C>G; p.Ile661Met variant (rs1485998437), to our knowledge, is not reported in the medical literature or gene specific databases. This variant is only observed on one allele in the Genome Aggregation Database, indicating it is not a common polymorphism. The isoleucine at codon 661 is highly conserved, and computational analyses (SIFT, PolyPhen-2) predict that this variant is deleterious. Due to limited information, the clinical significance of the p.Ile661Met variant is uncertain at this time.

Natera, Inc.
Classification: Uncertain significance for CFTR-related disorders. Last evaluated: 2018-09-22. Review status: no assertion criteria provided. Collection method: clinical testing. Allele origin: germline. Not counted in ClinVar's aggregate classification.